The following is an entry in ClinVar:

ClinVar aggregate classification (germline): Pathogenic (1 of 4 stars; one submission).

Conditions:
Ehlers-Danlos syndrome due to tenascin-X deficiency (EDSCLL1). Also called: Ehlers-Danlos syndrome, classic-like, 1; EHLERS-DANLOS SYNDROME, CLASSIC-LIKE; TNXB-Related Classical-Like Ehlers-Danlos Syndrome; EDS DUE TO TNX DEFICIENCY; TNX DEFICIENCY. Identifiers: Orphanet 230839, MedGen C1848029, MONDO:0011670, OMIM 606408.

gnomAD v4.1: 6 of 1,609,472 alleles (0.00037%); highest among the groups gnomAD compares: South Asian, 0.0011%; no homozygotes.

Submission:

Myriad Genetics, Inc.
Classification: Pathogenic for Ehlers-Danlos syndrome due to tenascin-X deficiency. Last evaluated: 2024-07-27. Review status: criteria provided, single submitter. Criteria: Myriad Autosomal Dominant, Autosomal Recessive and X-Linked Classification Criteria (2023). Collection method: clinical testing. Allele origin: unknown.
Comment: NM_019105.6(TNXB):c.2605C>T(R869*) is expected to be pathogenic in the context of classical-like Ehlers-Danlos syndrome, TNXB-related. This variant is predicted to lead to an abnormal or absent protein product due to the creation of a premature termination codon in TNXB, a gene where loss-of-function variants are known to be pathogenic. Please note: this variant was assessed in the context of healthy population screening.

NM_001365276.2(TNXB):c.2605C>T (p.Arg869Ter)

Gene: TNXB (tenascin XB; minus strand). Cytogenetic location: 6p21.33.
Variant type: single nucleotide variant.
Coding change: c.2605C>T on transcript NM_001365276.2 (MANE Select); coding-DNA position 2605, C replaced by T.
Protein change: p.Arg869Ter; replaces arginine 869 with a stop codon.
Molecular consequence: nonsense.
Genome position (GRCh38, 1-based): chr6:32,088,959, G>A on the plus strand (C>T on the coding strand, the complement: TNXB is on the minus strand). VCF-style: chr6-32088959-G-A. GRCh37 (hg19) VCF-style: chr6-32056736-G-A.
Other names: c.2605C>T, p.Arg869Ter (NM_001428335.1, NM_019105.8); short protein forms R869*.
Identifiers: ClinVar variation 5013376 (VCV005013376.1).
Genomic context (GRCh38, chr6:32,088,959, plus strand): 5'-CAGGGGGCACTTCCAGCCTCACCCTCTGGTTGCCGGCACTGACGTAGGACACCACAAATC[G>A]GTCCACCTCAGCCTGGGGACGCAGCCAGCCAAGCTCCAGTGTTGTCGGTGTCACAGCCAC-3'